The following is an entry in ClinVar:

NM_000557.5(GDF5):c.733A>T (p.Lys245Ter)

Gene: GDF5 (growth differentiation factor 5; minus strand). Cytogenetic location: 20q11.22.
Variant type: single nucleotide variant.
Coding change: c.733A>T on transcript NM_000557.5 (MANE Select); coding-DNA position 733, A replaced by T.
Protein change: p.Lys245Ter; replaces lysine 245 with a stop codon.
Molecular consequence: nonsense.
Genome position (GRCh38, 1-based): chr20:35,434,682, T>A on the plus strand (A>T on the coding strand, the complement: GDF5 is on the minus strand). VCF-style: chr20-35434682-T-A. GRCh37 (hg19) VCF-style: chr20-34022480-T-A.
Other names: c.733A>T, p.Lys245Ter (NM_001319138.2); short protein forms K245*.
Identifiers: ClinVar variation 2865671 (VCV002865671.3), dbSNP rs879153644, ClinGen allele CA408741278.

ClinVar aggregate classification (germline): Pathogenic (1 of 4 stars; one submission).

Submission:

Labcorp Genetics (formerly Invitae), Labcorp
Classification: Pathogenic. Last evaluated: 2023-05-19. Review status: criteria provided, single submitter. Criteria: Invitae Variant Classification Sherloc (09022015). Collection method: clinical testing. Allele origin: germline.
Comment: For these reasons, this variant has been classified as Pathogenic. This variant disrupts a region of the GDF5 protein in which other variant(s) (p.Arg380Gln) have been determined to be pathogenic (PMID: 18203755). This suggests that this is a clinically significant region of the protein, and that variants that disrupt it are likely to be disease-causing. This variant has not been reported in the literature in individuals affected with GDF5-related conditions. This variant is not present in population databases (gnomAD no frequency). This sequence change creates a premature translational stop signal (p.Lys245*) in the GDF5 gene. While this is not anticipated to result in nonsense mediated decay, it is expected to disrupt the last 257 amino acid(s) of the GDF5 protein.

Literature cited by the submitters: PubMed 18203755.